The following is an entry in ClinVar:

NM_194454.3(KRIT1):c.1804C>T (p.Leu602Phe)

Gene: KRIT1 (KRIT1 ankyrin repeat containing; minus strand). Cytogenetic location: 7q21.2.
Variant type: single nucleotide variant.
Coding change: c.1804C>T on transcript NM_194454.3 (MANE Select); coding-DNA position 1804, C replaced by T.
Protein change: p.Leu602Phe; replaces leucine 602 with phenylalanine.
Molecular consequence: missense variant.
Genome position (GRCh38, 1-based): chr7:92,213,906, G>A on the plus strand (C>T on the coding strand, the complement: KRIT1 is on the minus strand). VCF-style: chr7-92213906-G-A. GRCh37 (hg19) VCF-style: chr7-91843220-G-A.
Other names: c.1660C>T, p.Leu554Phe (NM_001013406.2, NM_001350669.1, NM_001350670.1); c.1090C>T, p.Leu364Phe (NM_001350671.1); c.1804C>T, p.Leu602Phe (NM_001350672.1, NM_001350673.1, NM_001350674.1 and 26 more transcripts); short protein forms L364F, L554F, L602F.
Identifiers: ClinVar variation 4890866 (VCV004890866.1).
Genomic context (GRCh38, chr7:92,213,906, plus strand): 5'-TCAACTAGCCTATAAAATGTCTTTTCATTTCTATTAAACAGCTTACCTTGTATTCATGAA[G>A]TATGCGATTTGTCCAGTGAGGTGCCTTACTTTTCAGTTTGGTAACAGGTACGATGGATTT-3'
Protein context (NP_919436.1, residues 592-612): SKAPHWTNRI[Leu602Phe]HEYKNLSTSE

ClinVar aggregate classification (germline): Uncertain significance (1 of 4 stars; one submission).

Conditions:
Cerebral cavernous malformation (CCM). Also called: Cavernous Hemangioma of Brain; CAVERNOUS ANGIOMA, FAMILIAL; CAVERNOUS ANGIOMATOUS MALFORMATIONS; CEREBRAL CAPILLARY MALFORMATIONS; Cerebral cavernous hemangioma (type); Cerebral cavernous malformations. Identifiers: Orphanet 221061, MedGen C2919945, MONDO:0000820, OMIM 116860, HP:0033522.

Submission:

Clinical Genetics Laboratory, Skane University Hospital Lund
Classification: Uncertain significance for Cerebral cavernous malformation. Last evaluated: 2026-06-23. Review status: criteria provided, single submitter. Criteria: ACMG Guidelines, 2015. Collection method: clinical testing. Allele origin: germline. Affected: yes.
Comment: ACMG criteria used: PM2, PP3